The following is an entry in ClinVar:

ClinVar aggregate classification (germline): Pathogenic. Review status: criteria provided, multiple submitters, no conflicts (2 of 4 stars). 3 submissions from 3 submitters: Pathogenic (3). Last evaluated 2025-03-10.

Conditions:
Hereditary breast ovarian cancer syndrome. Also called: BRCA1- and BRCA2-Associated Hereditary Breast and Ovarian Cancer; Hereditary breast and ovarian cancer syndrome; Hereditary breast and ovarian cancer; Hereditary breast and ovarian cancer syndrome (HBOC); Breast and ovarian cancer; Hereditary breast and/or ovarian cancer syndrome. Identifiers: Orphanet 145, MedGen C0677776, MeSH D061325, MONDO:0003582. Disease mechanism: loss of function.
Hereditary cancer-predisposing syndrome. Also called: Neoplastic Syndromes, Hereditary; Tumor predisposition; Hereditary Cancer Syndrome; Hereditary neoplastic syndrome. Identifiers: Orphanet 140162, MedGen C0027672, MeSH D009386, MONDO:0015356.

Submissions (3):

Ambry Genetics
Classification: Pathogenic for Hereditary cancer-predisposing syndrome. Last evaluated: 2025-03-10. Review status: criteria provided, single submitter. Criteria: Ambry Variant Classification Scheme 2023. Collection method: clinical testing. Allele origin: germline.
Comment: The c.5350delG pathogenic mutation, located in coding exon 20 of the BRCA1 gene, results from a deletion of one nucleotide at nucleotide position 5350, causing a translational frameshift with a predicted alternate stop codon (p.V1784Yfs*9). This alteration is expected to result in loss of function by premature protein truncation or nonsense-mediated mRNA decay. As such, this alteration is interpreted as a disease-causing mutation.

Labcorp Genetics (formerly Invitae), Labcorp
Classification: Pathogenic for Hereditary breast ovarian cancer syndrome. Last evaluated: 2024-05-22. Review status: criteria provided, single submitter. Criteria: Invitae Variant Classification Sherloc (09022015). Collection method: clinical testing. Allele origin: germline.
Comment: This sequence change creates a premature translational stop signal (p.Val1784Tyrfs*9) in the BRCA1 gene. It is expected to result in an absent or disrupted protein product. Loss-of-function variants in BRCA1 are known to be pathogenic (PMID: 20104584). This variant is not present in population databases (gnomAD no frequency). This variant has not been reported in the literature in individuals affected with BRCA1-related conditions. ClinVar contains an entry for this variant (Variation ID: 918430). For these reasons, this variant has been classified as Pathogenic.

Color Diagnostics, LLC DBA Color Health
Classification: Pathogenic for Hereditary cancer-predisposing syndrome. Last evaluated: 2022-09-12. Review status: criteria provided, single submitter. Criteria: ACMG Guidelines, 2015. Collection method: clinical testing. Allele origin: germline.
Comment: This variant deletes 1 nucleotide in exon 21 of the BRCA1 gene, creating a frameshift and premature translation stop signal. This variant is expected to result in an absent or non-functional protein product. To our knowledge, this variant has not been reported in individuals affected with hereditary cancer in the literature. This variant has not been identified in the general population by the Genome Aggregation Database (gnomAD). Loss of BRCA1 function is a known mechanism of disease. Based on the available evidence, this variant is classified as Pathogenic.

Literature cited by the submitters: PubMed 20104584 (cited by Labcorp Genetics (formerly Invitae), Labcorp).

NM_007294.4(BRCA1):c.5350del (p.Val1784fs)

Gene: BRCA1 (BRCA1 DNA repair associated; minus strand). Cytogenetic location: 17q21.31.
Variant type: Deletion.
Coding change: c.5350del on transcript NM_007294.4 (MANE Select); coding-DNA position 5350, one base deleted (G; older notation c.5350delG).
Protein change: p.Val1784fs; shifts the reading frame from valine 1784.
Molecular consequence: frameshift variant. On other transcripts: non-coding transcript variant (1), intron variant (1).
Genome position (GRCh38, 1-based): chr17:43,049,177, C deleted on the plus strand (G on the coding strand, the reverse complement: BRCA1 is on the minus strand); the first of 2 consecutive C bases (chr17:43,049,177-43,049,178); deleting either gives the same sequence. VCF-style (leftmost placement, unchanged base first): chr17-43049176-AC-A. GRCh37 (hg19) VCF-style: chr17-41201193-AC-A.
Other names: c.2031delG, p.Val678Tyrfs (NM_001408407.1, NM_001408408.1, NM_001408406.1); c.2028delG, p.Val677Tyrfs (NM_001408409.1); c.1923delG, p.Val642Tyrfs (NM_001408420.1, NM_001408418.1, NM_001408419.1); c.1962delG, p.Val655Tyrfs (NM_001408411.1); c.1959delG, p.Val654Tyrfs (NM_001408412.1, NM_001408413.1, NM_001408414.1 and 2 more transcripts); c.1965delG, p.Val656Tyrfs (NM_001408410.1); c.1836delG, p.Val613Tyrfs (NM_001408476.1, NM_001408475.1); c.1830delG, p.Val611Tyrfs (NM_001408478.1, NM_001408479.1, NM_001408480.1); and 76 more; short protein forms V1784fs, V1805fs, V680fs, V1737fs.
Identifiers: ClinVar variation 918430 (VCV000918430.11), dbSNP rs2051091746, ClinGen allele CA1139665552.